The following is an entry in ClinVar:

NM_004360.5(CDH1):c.688-18C>T

Gene: CDH1 (cadherin 1; plus strand). Cytogenetic location: 16q22.1.
Variant type: single nucleotide variant.
Coding change: c.688-18C>T on transcript NM_004360.5 (MANE Select); 18 bases into the intron before coding-DNA position 688, C replaced by T.
Molecular consequence: intron variant.
Genome position (GRCh38, 1-based): chr16:68,810,179, C>T. VCF-style: chr16-68810179-C-T. GRCh37 (hg19) VCF-style: chr16-68844082-C-T.
Other names: c.-928-18C>T (NM_001317185.2); c.-1132-18C>T (NM_001317186.2); c.688-18C>T (NM_001317184.2).
Identifiers: ClinVar variation 1536711 (VCV001536711.9), dbSNP rs1567505564, ClinGen allele CA913188767.
Genomic context (GRCh38, chr16:68,810,179, plus strand): 5'-ACTCTGCTCTGGCTGGGCCCCTTCTCCCATGTTTTCTTCCTCATCAGAGCTCAAGTCACC[C>T]TCACTTGGTTCTTTCAGCTCTTCTCTCACGCTGTGTCATCCAACGGGAATGCAGTTGAGG-3'

ClinVar aggregate classification (germline): Likely benign. Review status: criteria provided, multiple submitters, no conflicts (2 of 4 stars). 2 submissions from 2 submitters: Likely benign (2). Last evaluated 2025-11-05.

Conditions:
Hereditary diffuse gastric adenocarcinoma (HDGC). Also called: DIFFUSE GASTRIC AND LOBULAR BREAST CANCER SYNDROME. Identifiers: Orphanet 26106, MedGen C1708349, MONDO:0007648, OMIM 137215.

Submissions (2):

Labcorp Genetics (formerly Invitae), Labcorp
Classification: Likely benign for Hereditary diffuse gastric adenocarcinoma. Last evaluated: 2025-11-05. Review status: criteria provided, single submitter. Criteria: Invitae Variant Classification Sherloc (09022015). Collection method: clinical testing. Allele origin: germline.

Myriad Genetics, Inc.
Classification: Likely benign for Hereditary diffuse gastric adenocarcinoma. Last evaluated: 2024-09-13. Review status: criteria provided, single submitter. Criteria: Myriad Autosomal Dominant, Autosomal Recessive and X-Linked Classification Criteria (2023). Collection method: clinical testing. Allele origin: unknown.
Comment: This variant is considered likely benign. This variant is intronic and is not expected to impact mRNA splicing.